The following is an entry in ClinVar:

NM_000274.4(OAT):c.1134C>T (p.Asn378=)

Gene: OAT (ornithine aminotransferase; minus strand). Cytogenetic location: 10q26.13.
Variant type: single nucleotide variant.
Coding change: c.1134C>T on transcript NM_000274.4 (MANE Select); coding-DNA position 1134, C replaced by T.
Protein change: p.Asn378=; no amino-acid change (asparagine 378 retained).
Molecular consequence: synonymous variant.
Genome position (GRCh38, 1-based): chr10:124,400,865, G>A on the plus strand (C>T on the coding strand, the complement: OAT is on the minus strand). VCF-style: chr10-124400865-G-A. GRCh37 (hg19) VCF-style: chr10-126089434-G-A.
Other names: N378N; p.Asn378=; c.720C>T, p.Asn240= (NM_001171814.2); c.1134C>T, p.Asn378= (NM_001322965.2, NM_001322966.2, NM_001322967.2 and 3 more transcripts); c.813C>T, p.Asn271= (NM_001322971.2); c.534C>T, p.Asn178= (NM_001322974.2).
Identifiers: ClinVar variation 161 (VCV000000161.28), dbSNP rs11461, ClinGen allele CA113955.

ClinVar aggregate classification (germline): Benign/Likely benign. Review status: criteria provided, multiple submitters, no conflicts (2 of 4 stars). 12 submissions from 12 submitters: Benign (7); Likely benign (1). 4 of the submissions do not count toward it. Last evaluated 2026-02-04.

Conditions:
Ornithine aminotransferase deficiency (GACR). Also called: OAT DEFICIENCY; OKT DEFICIENCY; Ornithine ketoacid aminotransferase deficiency; Gyrate atrophy; Gyrate atrophy of choroid and retina; Girate atrophy of the retina. Identifiers: Orphanet 414, MedGen C0018425, MONDO:0009796, OMIM 258870.

Allele frequency attached by ClinVar (database versions not stated): gnomAD 0.33660 and 0.34766; TOPMed 0.34569; gnomAD exomes 0.39282 and 0.42757; 1000 Genomes Project 30x 0.40162; 1000 Genomes Project 0.40994; ExAC 0.41803.
gnomAD v4.1: 618,593 of 1,591,336 alleles (39%); highest among the groups gnomAD compares: East Asian, 62%; 126,448 homozygotes.

Submissions (12):

Labcorp Genetics (formerly Invitae), Labcorp
Classification: Benign for Ornithine aminotransferase deficiency. Last evaluated: 2026-02-04. Review status: criteria provided, single submitter. Criteria: Invitae Variant Classification Sherloc (09022015). Collection method: clinical testing. Allele origin: germline.

Blueprint Genetics
Classification: Likely benign. Last evaluated: 2024-11-27. Review status: criteria provided, single submitter. Criteria: ACMG Guidelines, 2015. Collection method: clinical testing. Allele origin: germline.

Mayo Clinic Laboratories, Mayo Clinic
Classification: Benign. Last evaluated: 2021-10-17. Review status: criteria provided, single submitter. Criteria: ACMG Guidelines, 2015. Collection method: clinical testing. Allele origin: germline. Observed: 349 variant alleles.

Fulgent Genetics
Classification: Benign for Ornithine aminotransferase deficiency. Last evaluated: 2021-08-11. Review status: criteria provided, single submitter. Criteria: ACMG Guidelines, 2015. Collection method: clinical testing. Allele origin: unknown.

Genome-Nilou Lab
Classification: Benign for Ornithine aminotransferase deficiency. Last evaluated: 2021-07-10. Review status: criteria provided, single submitter. Criteria: ACMG Guidelines, 2015. Collection method: clinical testing. Allele origin: germline. Affected: no.

GeneDx
Classification: Benign. Last evaluated: 2018-06-13. Review status: criteria provided, single submitter. Criteria: GeneDx Variant Classification (06012015). Collection method: clinical testing. Allele origin: germline. Affected: yes.
Comment: This variant is considered likely benign or benign based on one or more of the following criteria: it is a conservative change, it occurs at a poorly conserved position in the protein, it is predicted to be benign by multiple in silico algorithms, and/or has population frequency not consistent with disease.

Illumina Laboratory Services, Illumina
Classification: Benign for Ornithine aminotransferase deficiency. Last evaluated: 2018-01-13. Review status: criteria provided, single submitter. Criteria: ICSL Variant Classification Criteria 13 December 2019. Collection method: clinical testing. Allele origin: germline.
Comment: This variant was observed in the ICSL laboratory as part of a predisposition screen in an ostensibly healthy population. It had not been previously curated by ICSL or reported in the Human Gene Mutation Database (HGMD: prior to June 1st, 2018), and was therefore a candidate for classification through an automated scoring system. Utilizing variant allele frequency, disease prevalence and penetrance estimates, and inheritance mode, an automated score was calculated to assess if this variant is too frequent to cause the disease. Based on the score and internal cut-off values, a variant classified as benign is not then subjected to further curation. The score for this variant resulted in a classification of benign for this disease.

Breakthrough Genomics
Classification: Benign. Review status: criteria provided, single submitter. Criteria: ACMG Guidelines, 2015. Collection method: not provided. Allele origin: germline. Inheritance: Autosomal recessive inheritance. Affected: yes.

Natera, Inc.
Classification: Benign for Gyrate atrophy. Last evaluated: 2020-09-16. Review status: no assertion criteria provided. Collection method: clinical testing. Allele origin: germline. Not counted in ClinVar's aggregate classification.

OMIM
Classification: Benign for ORNITHINE AMINOTRANSFERASE POLYMORPHISM. Last evaluated: 1988-02-01. Review status: no assertion criteria provided. Collection method: literature only. Allele origin: germline. Not counted in ClinVar's aggregate classification.

Diagnostic Laboratory, Department of Genetics, University Medical Center Groningen
Classification: Benign. Review status: no assertion criteria provided. Collection method: clinical testing. Allele origin: germline. Affected: yes. Study: VKGL Data-share Consensus. Not counted in ClinVar's aggregate classification.

Joint Genome Diagnostic Labs from Nijmegen and Maastricht, Radboudumc and MUMC+
Classification: Benign. Review status: no assertion criteria provided. Collection method: clinical testing. Allele origin: germline. Affected: yes. Study: VKGL Data-share Consensus. Not counted in ClinVar's aggregate classification.

Literature cited by the submitters: PubMed 3339136 (cited by OMIM).